The following is an entry in ClinVar:

ClinVar aggregate classification (germline): Conflicting classifications of pathogenicity. Review status: criteria provided, conflicting classifications (1 of 4 stars). 2 submissions from 2 submitters: Uncertain significance (1); Likely benign (1). Last evaluated 2024-07-22.

Conditions:
Hereditary spastic paraplegia 39 (SPG39). Also called: Spastic Paraplegia Type 39 (SPG39); SPASTIC PARAPLEGIA 39, AUTOSOMAL RECESSIVE. Identifiers: Orphanet 139480, MedGen C2677586, MONDO:0012787, OMIM 612020.
Laurence-Moon syndrome (LNMS). Also called: PNPLA6-Related Laurence-Moon Syndrome (LMS). Identifiers: Orphanet 2377, MedGen C0023138, MONDO:0009514, OMIM 245800.
Trichomegaly-retina pigmentary degeneration-dwarfism syndrome (OMCS). Also called: Oliver-McFarlane Syndrome (OMCS); OLIVER-MCFARLANE SYNDROME; Eyelashes long mental retardation; Trichomegaly retina pigmentary degeneration dwarfism. Identifiers: Orphanet 3363, MedGen C1848745, MONDO:0010152, OMIM 275400.
Ataxia-hypogonadism-choroidal dystrophy syndrome (BNHS). Also called: Chorioretinal dystrophy, spinocerebellar ataxia and hypogonadotropic hypogonadism; Boucher-Neuhäuser Syndrome (BNS). Identifiers: Orphanet 1180, MedGen C1859093, MONDO:0008980, OMIM 215470.

Allele frequency attached by ClinVar (database versions not stated): gnomAD 0.00001 and 0.00002; TOPMed 0.00001; gnomAD exomes 0.00002 and 0.00004; ExAC 0.00005; 1000 Genomes Project 0.00020; 1000 Genomes Project 30x 0.00031.
gnomAD v4.1: 12 of 1,593,652 alleles (0.00075%); highest among the groups gnomAD compares: East Asian, 0.027%; no homozygotes.

Submissions (2):

Labcorp Genetics (formerly Invitae), Labcorp
Classification: Likely benign for Hereditary spastic paraplegia 39. Last evaluated: 2024-07-22. Review status: criteria provided, single submitter. Criteria: Invitae Variant Classification Sherloc (09022015). Collection method: clinical testing. Allele origin: germline.

Juno Genomics, Hangzhou Juno Genomics, Inc
Classification: Uncertain significance for Laurence-Moon syndrome; Ataxia-hypogonadism-choroidal dystrophy syndrome; Trichomegaly-retina pigmentary degeneration-dwarfism syndrome; Hereditary spastic paraplegia 39. Review status: criteria provided, single submitter. Criteria: ACMG Guidelines, 2015. Collection method: clinical testing. Allele origin: germline.
Comment: Absent from controls (or at extremely low frequency if recessive) in Genome Aggregation Database.;Multiple lines of computational evidence support a deleterious effect on the gene or gene product.

NM_001166114.2(PNPLA6):c.2815C>T (p.Leu939=)

Gene: PNPLA6 (patatin like domain 6, lysophospholipase; plus strand). Cytogenetic location: 19p13.2.
Variant type: single nucleotide variant.
Coding change: c.2815C>T on transcript NM_001166114.2 (MANE Select); coding-DNA position 2815, C replaced by T.
Protein change: p.Leu939=; no amino-acid change (leucine 939 retained).
Molecular consequence: synonymous variant.
Genome position (GRCh38, 1-based): chr19:7,555,073, C>T. VCF-style: chr19-7555073-C-T. GRCh37 (hg19) VCF-style: chr19-7619959-C-T.
Other names: c.2845C>T, p.Leu949= (NM_001166111.2); c.2620C>T, p.Leu874= (NM_001166112.2); c.2701C>T, p.Leu901= (NM_001166113.1, NM_006702.5).
Identifiers: ClinVar variation 1487288 (VCV001487288.10), dbSNP rs201897212, ClinGen allele CA9140223.